The following is an entry in ClinVar:

ClinVar aggregate classification (germline): Uncertain significance. Review status: criteria provided, multiple submitters, no conflicts (2 of 4 stars). 2 submissions from 2 submitters: Uncertain significance (2). Last evaluated 2025-07-03.

Conditions:
Hereditary cancer-predisposing syndrome. Also called: Hereditary neoplastic syndrome; Neoplastic Syndromes, Hereditary; Tumor predisposition; Hereditary Cancer Syndrome. Identifiers: Orphanet 140162, MedGen C0027672, MeSH D009386, MONDO:0015356.

Submissions (2):

Ambry Genetics
Classification: Uncertain significance for Hereditary cancer-predisposing syndrome. Last evaluated: 2025-07-03. Review status: criteria provided, single submitter. Criteria: Ambry Variant Classification Scheme 2023. Collection method: clinical testing. Allele origin: germline.
Comment: The p.E46G variant (also known as c.137A>G), located in coding exon 2 of the APC gene, results from an A to G substitution at nucleotide position 137. The glutamic acid at codon 46 is replaced by glycine, an amino acid with similar properties. This amino acid position is conserved. In addition, in silico predictors for this gene do not accurately predict pathogenicity. Based on the available evidence, the clinical significance of this variant remains unclear.

GeneDx
Classification: Uncertain significance. Last evaluated: 2016-03-10. Review status: criteria provided, single submitter. Criteria: GeneDx Variant Classification (06012015). Collection method: clinical testing. Allele origin: germline. Affected: yes.
Comment: This variant is denoted APC c.137A>G at the cDNA level, p.Glu46Gly (E46G) at the protein level, and results in the change of a Glutamic Acid to a Glycine (GAA>GGA). This variant has not, to our knowledge, been published in the literature as pathogenic or benign. APC Glu46Gly was not observed in approximately 6,500 individuals of European and African American ancestry in the NHLBI Exome Sequencing Project, suggesting it is not a common benign variant in these populations. Since Glutamic Acid and Glycine differ in polarity, charge, size or other properties, this is considered a non-conservative amino acid substitution. APC Glu46Gly occurs at a position that is conserved across species and is located within the oligomerization domain (Azzopardi 2008). In silico analyses predict that this variant is probably damaging to protein structure and function. Based on currently available evidence, it is unclear whether APC Glu46Gly is a pathogenic or benign variant. We consider it to be a variant of uncertain significance.

NM_000038.6(APC):c.137A>G (p.Glu46Gly)

Gene: APC (APC regulator of Wnt signaling pathway; plus strand). Cytogenetic location: 5q22.2.
Variant type: single nucleotide variant.
Coding change: c.137A>G on transcript NM_000038.6 (MANE Select); coding-DNA position 137, A replaced by G.
Protein change: p.Glu46Gly; replaces glutamic acid 46 with glycine.
Molecular consequence: missense variant. On other transcripts: 5 prime UTR variant (4).
Genome position (GRCh38, 1-based): chr5:112,766,327, A>G. VCF-style: chr5-112766327-A-G. GRCh37 (hg19) VCF-style: chr5-112102024-A-G.
Other names: c.137A>G, p.Glu46Gly (NM_001127510.3, NM_001354895.2, NM_001354896.2 and 2 more transcripts); c.167A>G, p.Glu56Gly (NM_001127511.3, NM_001354897.2, NM_001354902.2); c.62A>G, p.Glu21Gly (NM_001354898.2, NM_001354904.2); c.-41A>G (NM_001354900.2, NM_001354901.2, NM_001354905.2); c.-899A>G (NM_001354906.2); short protein forms E46G, E56G, E21G.
Identifiers: ClinVar variation 246492 (VCV000246492.3), dbSNP rs879254287, ClinGen allele CA10584233.
Genomic context (GRCh38, chr5:112,766,327, plus strand): 5'-GAATCATGTCTTGAAGTTATTTAGAATTTCATGTTAATATATTGTGTTCTTTTTAACAGG[A>G]AGTACTTAAACAACTACAAGGAAGTATTGAAGATGAAGCTATGGCTTCTTCTGGACAGAT-3'
Protein context (NP_000029.2, residues 36-56): KLETEASNMK[Glu46Gly]VLKQLQGSIE